The following is an entry in ClinVar:

ClinVar aggregate classification (germline): Conflicting classifications of pathogenicity. Review status: criteria provided, conflicting classifications (1 of 4 stars). 3 submissions from 3 submitters: Uncertain significance (2); Likely benign (1). Last evaluated 2025-01-20.

Conditions:
Inborn genetic diseases. Identifiers: MedGen C0950123, MeSH D030342.

Allele frequency attached by ClinVar (database versions not stated): gnomAD 0.00001; TOPMed 0.00002; gnomAD exomes 0.00003; ExAC 0.00004; ESP Exome Variant Server 0.00008.
gnomAD v4.1: 47 of 1,610,312 alleles (0.0029%); highest among the groups gnomAD compares: Non-Finnish European, 0.0037%; no homozygotes.

Submissions (3):

Ambry Genetics
Classification: Likely benign for Inborn genetic diseases. Last evaluated: 2025-01-20. Review status: criteria provided, single submitter. Criteria: Ambry Variant Classification Scheme 2023. Collection method: clinical testing. Allele origin: germline.

Labcorp Genetics (formerly Invitae), Labcorp
Classification: Uncertain significance. Last evaluated: 2022-10-05. Review status: criteria provided, single submitter. Criteria: Invitae Variant Classification Sherloc (09022015). Collection method: clinical testing. Allele origin: germline.
Comment: This sequence change replaces threonine, which is neutral and polar, with alanine, which is neutral and non-polar, at codon 279 of the MFF protein (p.Thr279Ala). This variant is present in population databases (rs151315304, gnomAD 0.005%). This variant has not been reported in the literature in individuals affected with MFF-related conditions. Algorithms developed to predict the effect of missense changes on protein structure and function output the following: SIFT: "Tolerated"; PolyPhen-2: "Benign"; Align-GVGD: "Class C0". The alanine amino acid residue is found in multiple mammalian species, which suggests that this missense change does not adversely affect protein function. In summary, the available evidence is currently insufficient to determine the role of this variant in disease. Therefore, it has been classified as a Variant of Uncertain Significance.

Breakthrough Genomics
Classification: Uncertain significance. Review status: criteria provided, single submitter. Criteria: ACMG Guidelines, 2015. Collection method: not provided. Allele origin: germline. Inheritance: Autosomal recessive inheritance. Affected: yes.

NM_001277062.2(MFF):c.682A>G (p.Thr228Ala)

Gene: MFF (mitochondrial fission factor; plus strand). Cytogenetic location: 2q36.3.
Variant type: single nucleotide variant.
Coding change: c.682A>G on transcript NM_001277062.2 (MANE Select); coding-DNA position 682, A replaced by G.
Protein change: p.Thr228Ala; replaces threonine 228 with alanine.
Molecular consequence: missense variant. On other transcripts: non-coding transcript variant (1).
Genome position (GRCh38, 1-based): chr2:227,355,699, A>G. VCF-style: chr2-227355699-A-G. GRCh37 (hg19) VCF-style: chr2-228220415-A-G.
Other names: c.835A>G, p.Thr279Ala (NM_001277061.2, NM_020194.5); c.538A>G, p.Thr180Ala (NM_001277063.2); c.523A>G, p.Thr175Ala (NM_001277064.2); c.463A>G, p.Thr155Ala (NM_001277065.2, NM_001277066.2); c.472A>G, p.Thr158Ala (NM_001277067.1); c.565A>G, p.Thr189Ala (NM_001277068.1); c.835A>G (NM_020194.4); short protein forms T180A, T279A, T155A, T175A, T189A, T158A, T228A.
Identifiers: ClinVar variation 1954726 (VCV001954726.4), dbSNP rs151315304, ClinGen allele CA2148048.